The following is an entry in ClinVar:

ClinVar aggregate classification (germline): Uncertain significance. Review status: criteria provided, multiple submitters, no conflicts (2 of 4 stars). 4 submissions from 4 submitters: Uncertain significance (3). 1 of the submissions does not count toward it. Last evaluated 2025-08-08.

Conditions:
PEX10-related disorder. Also called: PEX10-related condition.
Zellweger spectrum disorders (ZS). Also called: Zellweger Spectrum Disorder (ZSD); Zellweger Spectrum Disorder; Zellweger Spectrum; Zellweger syndrome. Identifiers: Orphanet 912, MedGen C0043459, MONDO:0019609.
Peroxisome biogenesis disorder, complementation group 7 (CG7). Also called: Peroxisome biogenesis disorder, complementation group B. Identifiers: MedGen C1864399.

Allele frequency attached by ClinVar (database versions not stated): TOPMed 0.00001; gnomAD exomes 0.00002 and 0.00007; ExAC 0.00003.
gnomAD v4.1: 99 of 1,613,198 alleles (0.0061%); highest among the groups gnomAD compares: Non-Finnish European, 0.0081%; no homozygotes.

Submissions (4):

PreventionGenetics, part of Exact Sciences
Classification: Uncertain significance for PEX10-related condition. Last evaluated: 2025-08-08. Review status: criteria provided, single submitter. Criteria: ACMG Guidelines, 2015. Collection method: clinical testing. Allele origin: germline.
Comment: The PEX10 c.839C>A variant is predicted to result in the amino acid substitution p.Ala280Asp. To our knowledge, this variant has not been reported in the literature. This variant is reported in 0.0055% of alleles in individuals of European (Non-Finnish) descent in gnomAD. At this time, the clinical significance of this variant is uncertain due to the absence of conclusive functional and genetic evidence.

Labcorp Genetics (formerly Invitae), Labcorp
Classification: Uncertain significance for Peroxisome biogenesis disorder, complementation group 7. Last evaluated: 2021-09-01. Review status: criteria provided, single submitter. Criteria: Invitae Variant Classification Sherloc (09022015). Collection method: clinical testing. Allele origin: germline.
Comment: This sequence change replaces alanine with aspartic acid at codon 280 of the PEX10 protein (p.Ala280Asp). The alanine residue is weakly conserved and there is a moderate physicochemical difference between alanine and aspartic acid. This variant is present in population databases (rs747171383, ExAC 0.005%). This variant has not been reported in the literature in individuals affected with PEX10-related conditions. Algorithms developed to predict the effect of missense changes on protein structure and function (SIFT, PolyPhen-2, Align-GVGD) all suggest that this variant is likely to be tolerated. In summary, the available evidence is currently insufficient to determine the role of this variant in disease. Therefore, it has been classified as a Variant of Uncertain Significance.

Blueprint Genetics
Classification: Uncertain significance. Last evaluated: 2021-06-25. Review status: criteria provided, single submitter. Criteria: ACMG Guidelines, 2015. Collection method: clinical testing. Allele origin: germline.

Natera, Inc.
Classification: Uncertain significance for Zellweger syndrome. Last evaluated: 2020-01-17. Review status: no assertion criteria provided. Collection method: clinical testing. Allele origin: germline. Not counted in ClinVar's aggregate classification.

NM_002617.4(PEX10):c.779C>A (p.Ala260Asp)

Gene: PEX10 (peroxisomal biogenesis factor 10; minus strand). Cytogenetic location: 1p36.32.
Variant type: single nucleotide variant.
Coding change: c.779C>A on transcript NM_002617.4 (MANE Select); coding-DNA position 779, C replaced by A.
Protein change: p.Ala260Asp; replaces alanine 260 with aspartic acid.
Molecular consequence: missense variant. On other transcripts: non-coding transcript variant (1).
Genome position (GRCh38, 1-based): chr1:2,406,617, G>T on the plus strand (C>A on the coding strand, the complement: PEX10 is on the minus strand). VCF-style: chr1-2406617-G-T. GRCh37 (hg19) VCF-style: chr1-2338056-G-T.
Other names: c.836C>A, p.Ala279Asp (NM_001374425.1); c.404C>A, p.Ala135Asp (NM_001374426.1); c.347C>A, p.Ala116Asp (NM_001374427.1); c.839C>A, p.Ala280Asp (NM_153818.2); short protein forms A116D, A279D, A135D, A260D, A280D.
Identifiers: ClinVar variation 841125 (VCV000841125.7), dbSNP rs747171383, ClinGen allele CA538015.
Genomic context (GRCh38, chr1:2,406,617, plus strand): 5'-CGCTCCTCCAGGCACAGGGTGCACAGGGGGTTTCTGGAAACGGCTCTCTCCTCCAAGGAG[G>T]CCCTGGGGAAGGTGGGGCAGAGCGTCAAGGTGGGTGCACCTTACAGGTCCTTGTGAAGTG-3'
Protein context (NP_002608.1, residues 250-270): RLHRGLSHRR[Ala260Asp]SLEERAVSRN